The following is an entry in ClinVar:

ClinVar aggregate classification (germline): Likely benign (1 of 4 stars; one submission).

Submission:

CeGaT Center for Human Genetics Tuebingen
Classification: Likely benign. Last evaluated: 2025-12-01. Review status: criteria provided, single submitter. Criteria: CeGaT Center For Human Genetics Tuebingen Variant Classification Criteria Version 2. Collection method: clinical testing. Allele origin: germline. Affected: yes. Observed: 1 variant allele.
Comment: KDM5A: BP4, BS2

NM_001042603.3(KDM5A):c.2151-7_2151-5dup

Gene: KDM5A (lysine demethylase 5A; minus strand). Cytogenetic location: 12p13.33.
Variant type: Duplication.
Coding change: c.2151-7_2151-5dup on transcript NM_001042603.3 (MANE Select); 7 bases into the intron before coding-DNA position 2151 through 5 bases into the intron before coding-DNA position 2151, 3 bases duplicated (TTT; older notation c.2151-7_2151-5dupTTT).
Molecular consequence: intron variant.
Genome position (GRCh38, 1-based): chr12:323,211-323,213, AAA duplicated on the plus strand (TTT on the coding strand, the reverse complement: KDM5A is on the minus strand); duplicating any 3 consecutive bases within chr12:323,211-323,239 gives the same sequence; the c. name uses the placement nearest the transcript's 3' end. VCF-style (leftmost placement, unchanged base first): chr12-323210-C-CAAA. GRCh37 (hg19) VCF-style: chr12-432376-C-CAAA.
Identifiers: ClinVar variation 4681493 (VCV004681493.5).